The following is an entry in ClinVar:

NM_017777.4(MKS1):c.1078A>G (p.Thr360Ala)

Gene: MKS1 (MKS transition zone complex subunit 1; minus strand). Cytogenetic location: 17q22.
Variant type: single nucleotide variant.
Coding change: c.1078A>G on transcript NM_017777.4 (MANE Select); coding-DNA position 1078, A replaced by G.
Protein change: p.Thr360Ala; replaces threonine 360 with alanine.
Molecular consequence: missense variant.
Genome position (GRCh38, 1-based): chr17:58,208,530, T>C on the plus strand (A>G on the coding strand, the complement: MKS1 is on the minus strand). VCF-style: chr17-58208530-T-C. GRCh37 (hg19) VCF-style: chr17-56285891-T-C.
Other names: c.469A>G, p.Thr157Ala (NM_001321268.2); c.1078A>G, p.Thr360Ala (NM_001321269.2, NM_001330397.2, NM_001411113.1); short protein forms T360A, T157A.
Identifiers: ClinVar variation 1986561 (VCV001986561.1), dbSNP rs770497568, ClinGen allele CA8669293.

ClinVar aggregate classification (germline): Uncertain significance (1 of 4 stars; one submission).

Conditions:
Joubert syndrome. Also called: CEREBELLOPARENCHYMAL DISORDER IV; JOUBERT-BOLTSHAUSER SYNDROME; Familial aplasia of the vermis. Identifiers: Orphanet 475, MedGen C5979921, MONDO:0018772.
Meckel-Gruber syndrome. Also called: DYSENCEPHALIA SPLANCHNOCYSTICA; GRUBER SYNDROME; Dysencephalia splachnocystica. Identifiers: Orphanet 564, MedGen C0265215, MONDO:0018921.

Allele frequency attached by ClinVar (database versions not stated): gnomAD exomes below 0.00001; TOPMed below 0.00001; ExAC 0.00001; gnomAD 0.00001.
gnomAD v4.1: 2 of 1,613,972 alleles (0.00012%); highest among the groups gnomAD compares: African/African-American, 0.0027%; no homozygotes.

Submission:

Labcorp Genetics (formerly Invitae), Labcorp
Classification: Uncertain significance for Joubert syndrome; Meckel-Gruber syndrome. Last evaluated: 2022-08-16. Review status: criteria provided, single submitter. Criteria: Invitae Variant Classification Sherloc (09022015). Collection method: clinical testing. Allele origin: germline.
Comment: This sequence change replaces threonine, which is neutral and polar, with alanine, which is neutral and non-polar, at codon 360 of the MKS1 protein (p.Thr360Ala). This variant is present in population databases (rs770497568, gnomAD 0.007%). This variant has not been reported in the literature in individuals affected with MKS1-related conditions. Algorithms developed to predict the effect of missense changes on protein structure and function are either unavailable or do not agree on the potential impact of this missense change (SIFT: "Deleterious"; PolyPhen-2: "Possibly Damaging"; Align-GVGD: "Class C0"). In summary, the available evidence is currently insufficient to determine the role of this variant in disease. Therefore, it has been classified as a Variant of Uncertain Significance.